The following is an entry in ClinVar:

NM_032119.4(ADGRV1):c.581C>A (p.Pro194His)

Gene: ADGRV1 (adhesion G protein-coupled receptor V1; plus strand). Cytogenetic location: 5q14.3.
Variant type: single nucleotide variant.
Coding change: c.581C>A on transcript NM_032119.4 (MANE Select); coding-DNA position 581, C replaced by A.
Protein change: p.Pro194His; replaces proline 194 with histidine.
Molecular consequence: missense variant. On other transcripts: non-coding transcript variant (1).
Genome position (GRCh38, 1-based): chr5:90,625,152, C>A. VCF-style: chr5-90625152-C-A. GRCh37 (hg19) VCF-style: chr5-89920969-C-A.
Other names: p.P194H:CCT>CAT; short protein forms P194H.
Identifiers: ClinVar variation 46341 (VCV000046341.33), dbSNP rs61745498, ClinGen allele CA138153.

ClinVar aggregate classification (germline): Benign/Likely benign. Review status: criteria provided, multiple submitters, no conflicts (2 of 4 stars). 8 submissions from 8 submitters: Benign (6); Likely benign (1). 1 of the submissions does not count toward it. Last evaluated 2026-02-04.

Conditions:
Usher syndrome type 2C. Also called: Usher syndrome, type 2B; USHER SYNDROME, TYPE IIC. Identifiers: Orphanet 231178, Orphanet 886, MedGen C2931213, MONDO:0011558, OMIM 605472.
Febrile seizures, familial, 4 (FEB4). Also called: CONVULSIONS, FAMILIAL FEBRILE, 4. Identifiers: MedGen C1858493, MONDO:0011443, OMIM 604352.

Allele frequency attached by ClinVar (database versions not stated): 1000 Genomes Project 0.02676; 1000 Genomes Project 30x 0.02858; gnomAD exomes 0.00450; ExAC 0.00654; ESP Exome Variant Server 0.01803; gnomAD 0.01883 and 0.02028; TOPMed 0.02175.
gnomAD v4.1: 5,602 of 1,611,608 alleles (0.35%); highest among the groups gnomAD compares: African/African-American, 6.4%; 157 homozygotes.

Submissions (8):

Labcorp Genetics (formerly Invitae), Labcorp
Classification: Benign. Last evaluated: 2026-02-04. Review status: criteria provided, single submitter. Criteria: Invitae Variant Classification Sherloc (09022015). Collection method: clinical testing. Allele origin: germline.

ARUP Laboratories, Molecular Genetics and Genomics, ARUP Laboratories
Classification: Benign. Last evaluated: 2023-11-08. Review status: criteria provided, single submitter. Criteria: ARUP Molecular Germline Variant Investigation Process 2024. Collection method: clinical testing. Allele origin: germline.

Fulgent Genetics
Classification: Likely benign for Febrile seizures, familial, 4; Usher syndrome type 2C. Last evaluated: 2021-08-13. Review status: criteria provided, single submitter. Criteria: ACMG Guidelines, 2015. Collection method: clinical testing. Allele origin: unknown.

Athena Diagnostics
Classification: Benign. Last evaluated: 2018-04-11. Review status: criteria provided, single submitter. Criteria: Athena Diagnostics Criteria. Collection method: clinical testing. Allele origin: germline.

Illumina Laboratory Services, Illumina
Classification: Benign for Usher syndrome type 2C. Last evaluated: 2018-01-13. Review status: criteria provided, single submitter. Criteria: ICSL Variant Classification Criteria 13 December 2019. Collection method: clinical testing. Allele origin: germline.
Comment: This variant was observed in the ICSL laboratory as part of a predisposition screen in an ostensibly healthy population. It had not been previously curated by ICSL or reported in the Human Gene Mutation Database (HGMD: prior to June 1st, 2018), and was therefore a candidate for classification through an automated scoring system. Utilizing variant allele frequency, disease prevalence and penetrance estimates, and inheritance mode, an automated score was calculated to assess if this variant is too frequent to cause the disease. Based on the score and internal cut-off values, a variant classified as benign is not then subjected to further curation. The score for this variant resulted in a classification of benign for this disease.

GeneDx
Classification: Benign. Last evaluated: 2014-03-21. Review status: criteria provided, single submitter. Criteria: GeneDx Variant Classification (06012015). Collection method: clinical testing. Allele origin: germline. Affected: yes.
Comment: This variant is considered likely benign or benign based on one or more of the following criteria: it is a conservative change, it occurs at a poorly conserved position in the protein, it is predicted to be benign by multiple in silico algorithms, and/or has population frequency not consistent with disease.

Laboratory for Molecular Medicine, Mass General Brigham Personalized Medicine
Classification: Benign. Last evaluated: 2012-05-07. Review status: criteria provided, single submitter. Criteria: LMM Criteria. Collection method: clinical testing. Allele origin: germline. Observed: 30 variant alleles.
Comment: Pro194His in Exon 06 of GPR98: This variant is not expected to have clinical sig nificance because it has been identified in 5.7% (175/3054) of African American chromosomes from a broad population by the NHLBI Exome Sequencing Project (dbSNP rs61745498).

Genetic Services Laboratory, University of Chicago
Classification: Likely benign. Review status: no assertion criteria provided. Collection method: clinical testing. Allele origin: germline. Inheritance: Autosomal dominant inheritance. Not counted in ClinVar's aggregate classification.
Comment: Likely benign based on allele frequency in 1000 Genomes Project or ESP global frequency and its presence in a patient with a rare or unrelated disease phenotype. NOT Sanger confirmed